The following is an entry in ClinVar:

ClinVar aggregate classification (germline): Uncertain significance (1 of 4 stars; one submission).

Submission:

Labcorp Genetics (formerly Invitae), Labcorp
Classification: Uncertain significance. Last evaluated: 2021-05-03. Review status: criteria provided, single submitter. Criteria: Invitae Variant Classification Sherloc (09022015). Collection method: clinical testing. Allele origin: germline.
Comment: In summary, the available evidence is currently insufficient to determine the role of this variant in disease. Therefore, it has been classified as a Variant of Uncertain Significance. Algorithms developed to predict the effect of missense changes on protein structure and function (SIFT, PolyPhen-2, Align-GVGD) all suggest that this variant is likely to be tolerated, but these predictions have not been confirmed by published functional studies and their clinical significance is uncertain. This variant is not present in population databases (ExAC no frequency). This variant has not been reported in the literature in individuals with KMT2C-related conditions. This sequence change replaces proline with alanine at codon 3685 of the KMT2C protein (p.Pro3685Ala). The proline residue is moderately conserved and there is a small physicochemical difference between proline and alanine.

NM_170606.3(KMT2C):c.11053C>G (p.Pro3685Ala)

Gene: KMT2C (lysine methyltransferase 2C; minus strand). Cytogenetic location: 7q36.1.
Variant type: single nucleotide variant.
Coding change: c.11053C>G on transcript NM_170606.3 (MANE Select); coding-DNA position 11053, C replaced by G.
Protein change: p.Pro3685Ala; replaces proline 3685 with alanine.
Molecular consequence: missense variant.
Genome position (GRCh38, 1-based): chr7:152,162,524, G>C on the plus strand (C>G on the coding strand, the complement: KMT2C is on the minus strand). VCF-style: chr7-152162524-G-C. GRCh37 (hg19) VCF-style: chr7-151859609-G-C.
Other names: short protein forms P3685A.
Identifiers: ClinVar variation 1503243 (VCV001503243.8), dbSNP rs2129103817, ClinGen allele CA370101523.